The following is an entry in ClinVar:

ClinVar aggregate classification (germline): Likely benign. Review status: criteria provided, multiple submitters, no conflicts (2 of 4 stars). 3 submissions from 3 submitters: Likely benign (3). Last evaluated 2023-05-21.

Conditions:
Cardiomyopathy (CMYO). Also called: Cardiomyopathies. Identifiers: Orphanet 167848, MedGen C0878544, MONDO:0004994, HP:0001638. Inheritance: Various modes of inheritance.
Hypertrophic cardiomyopathy. Also called: HYPERTROPHIC MYOCARDIOPATHY. Identifiers: Orphanet 217569, MedGen C0007194, MeSH D002312, MONDO:0005045, HP:0001639.

Allele frequency attached by ClinVar (database versions not stated): TOPMed below 0.00001.

Submissions (3):

Labcorp Genetics (formerly Invitae), Labcorp
Classification: Likely benign for Hypertrophic cardiomyopathy. Last evaluated: 2023-05-21. Review status: criteria provided, single submitter. Criteria: Invitae Variant Classification Sherloc (09022015). Collection method: clinical testing. Allele origin: germline.

All of Us Research Program, National Institutes of Health
Classification: Likely benign for Cardiomyopathy. Last evaluated: 2023-05-16. Review status: criteria provided, single submitter. Criteria: ACMG Guidelines, 2015. Collection method: clinical testing. Allele origin: germline. Inheritance: Autosomal dominant inheritance. Observed: 2 variant alleles, 2 heterozygotes.
Comment: This study involves interpretation of variants in research participants for the purpose of population health screening. Participant phenotype was not available at the time of variant classification. Additional details can be found in publication PMID: 35346344, PMCID: PMC8962531

Color Diagnostics, LLC DBA Color Health
Classification: Likely benign for Cardiomyopathy. Last evaluated: 2020-01-15. Review status: criteria provided, single submitter. Criteria: ACMG Guidelines, 2015. Collection method: clinical testing. Allele origin: germline.

NM_000257.4(MYH7):c.684G>A (p.Glu228=)

Gene: MYH7 (myosin heavy chain 7; minus strand). Cytogenetic location: 14q11.2.
Variant type: single nucleotide variant.
Coding change: c.684G>A on transcript NM_000257.4 (MANE Select); coding-DNA position 684, G replaced by A.
Protein change: p.Glu228=; no amino-acid change (glutamic acid 228 retained).
Molecular consequence: synonymous variant.
Genome position (GRCh38, 1-based): chr14:23,431,633, C>T on the plus strand (G>A on the coding strand, the complement: MYH7 is on the minus strand). VCF-style: chr14-23431633-C-T. GRCh37 (hg19) VCF-style: chr14-23900842-C-T.
Identifiers: ClinVar variation 925873 (VCV000925873.6), dbSNP rs1273139090, ClinGen allele CA485767344.